The following is an entry in ClinVar:

ClinVar aggregate classification (germline): Uncertain significance (1 of 4 stars; one submission).

Conditions:
Medium-chain acyl-coenzyme A dehydrogenase deficiency (ACADMD). Also called: MCAD Deficiency; CARNITINE DEFICIENCY SECONDARY TO MEDIUM-CHAIN ACYL-CoA DEHYDROGENASE DEFICIENCY; Medium chain acyl-CoA dehydrogenase deficiency; ACADM DEFICIENCY; MCADD; MCADH DEFICIENCY. Identifiers: Orphanet 42, MedGen C0220710, MONDO:0008721, OMIM 201450.

gnomAD v4.1: 1 of 1,598,836 alleles (0.000063%); highest among the groups gnomAD compares: Non-Finnish European, 0.000086%; no homozygotes.

Submission:

Labcorp Genetics (formerly Invitae), Labcorp
Classification: Uncertain significance for Medium-chain acyl-coenzyme A dehydrogenase deficiency. Last evaluated: 2021-12-08. Review status: criteria provided, single submitter. Criteria: Invitae Variant Classification Sherloc (09022015). Collection method: clinical testing. Allele origin: germline.
Comment: In summary, the available evidence is currently insufficient to determine the role of this variant in disease. Therefore, it has been classified as a Variant of Uncertain Significance. Algorithms developed to predict the effect of sequence changes on RNA splicing suggest that this variant may create or strengthen a splice site. Algorithms developed to predict the effect of missense changes on protein structure and function are either unavailable or do not agree on the potential impact of this missense change (SIFT: "Deleterious"; PolyPhen-2: "Probably Damaging"; Align-GVGD: "Class C0"). This variant has not been reported in the literature in individuals affected with ACADM-related conditions. This variant is not present in population databases (gnomAD no frequency). This sequence change replaces isoleucine, which is neutral and non-polar, with methionine, which is neutral and non-polar, at codon 399 of the ACADM protein (p.Ile399Met).

NM_000016.6(ACADM):c.1197T>G (p.Ile399Met)

Gene: ACADM (acyl-CoA dehydrogenase medium chain; plus strand). Cytogenetic location: 1p31.1.
Variant type: single nucleotide variant.
Coding change: c.1197T>G on transcript NM_000016.6 (MANE Select); coding-DNA position 1197, T replaced by G.
Protein change: p.Ile399Met; replaces isoleucine 399 with methionine.
Molecular consequence: missense variant.
Genome position (GRCh38, 1-based): chr1:75,762,694, T>G. VCF-style: chr1-75762694-T-G. GRCh37 (hg19) VCF-style: chr1-76228379-T-G.
Other names: c.1209T>G, p.Ile403Met (NM_001127328.3); c.1089T>G, p.Ile363Met (NM_001286042.2); c.1296T>G, p.Ile432Met (NM_001286043.2); c.630T>G, p.Ile210Met (NM_001286044.2); short protein forms I432M, I399M, I210M, I363M, I403M.
Identifiers: ClinVar variation 2037796 (VCV002037796.4), dbSNP rs1285662958, ClinGen allele CA340818387.